The following is an entry in ClinVar:

ClinVar aggregate classification (germline): Likely benign. Review status: criteria provided, multiple submitters, no conflicts (2 of 4 stars). 3 submissions from 3 submitters: Likely benign (3). Last evaluated 2025-12-03.

Allele frequency attached by ClinVar (database versions not stated): gnomAD exomes 0.00007; ExAC 0.00008; TOPMed 0.00043; 1000 Genomes Project 0.00060; 1000 Genomes Project 30x 0.00094.
gnomAD v4.1: 154 of 1,614,208 alleles (0.0095%); highest among the groups gnomAD compares: Admixed American, 0.06%; 2 homozygotes.

Submissions (3):

Labcorp Genetics (formerly Invitae), Labcorp
Classification: Likely benign. Last evaluated: 2025-12-03. Review status: criteria provided, single submitter. Criteria: Invitae Variant Classification Sherloc (09022015). Collection method: clinical testing. Allele origin: germline.

Blueprint Genetics
Classification: Likely benign. Last evaluated: 2024-08-29. Review status: criteria provided, single submitter. Criteria: ACMG Guidelines, 2015. Collection method: clinical testing. Allele origin: germline.

CeGaT Center for Human Genetics Tuebingen
Classification: Likely benign. Last evaluated: 2022-03-01. Review status: criteria provided, single submitter. Criteria: CeGaT Center For Human Genetics Tuebingen Variant Classification Criteria Version 2. Collection method: clinical testing. Allele origin: germline. Affected: yes. Observed: 1 variant allele.
Comment: RPL18: BP4, BP7

NM_000979.4(RPL18):c.42G>C (p.Arg14=)

Gene: RPL18 (ribosomal protein L18; minus strand). Cytogenetic location: 19q13.33.
Variant type: single nucleotide variant.
Coding change: c.42G>C on transcript NM_000979.4 (MANE Select); coding-DNA position 42, G replaced by C.
Protein change: p.Arg14=; no amino-acid change (arginine 14 retained).
Molecular consequence: synonymous variant. On other transcripts: non-coding transcript variant (1), intron variant (1).
Genome position (GRCh38, 1-based): chr19:48,617,839, C>G on the plus strand (G>C on the coding strand, the complement: RPL18 is on the minus strand). VCF-style: chr19-48617839-C-G. GRCh37 (hg19) VCF-style: chr19-49121096-C-G.
Other names: c.4-416G>C (NM_001270490.2).
Identifiers: ClinVar variation 726616 (VCV000726616.31), dbSNP rs190658371, ClinGen allele CA9554305.